The following is an entry in ClinVar:

ClinVar aggregate classification (germline): Likely benign (1 of 4 stars; one submission).

Conditions:
Telangiectasia, hereditary hemorrhagic, type 1 (HHT1). Also called: Osler Weber Rendu syndrome type 1; ENG-Related Hereditary Hemorrhagic Telangiectasia. Identifiers: Orphanet 774, MedGen C4551861, MONDO:0008535, OMIM 187300. Disease mechanism: loss of function.

Allele frequency attached by ClinVar (database versions not stated): TOPMed below 0.00001; gnomAD 0.00001 and 0.00003; gnomAD exomes 0.00005; 1000 Genomes Project 30x 0.00031; 1000 Genomes Project 0.00040.
gnomAD v4.1: 73 of 1,439,656 alleles (0.0051%); highest among the groups gnomAD compares: South Asian, 0.069%; no homozygotes.

Submission:

Illumina Laboratory Services, Illumina
Classification: Likely benign for Telangiectasia, hereditary hemorrhagic, type 1. Last evaluated: 2018-01-13. Review status: criteria provided, single submitter. Criteria: ICSL Variant Classification Criteria 13 December 2019. Collection method: clinical testing. Allele origin: germline.
Comment: This variant was observed in the ICSL laboratory as part of a predisposition screen in an ostensibly healthy population. It had not been previously curated by ICSL or reported in the Human Gene Mutation Database (HGMD: prior to June 1st, 2018), and was therefore a candidate for classification through an automated scoring system. Utilizing variant allele frequency, disease prevalence and penetrance estimates, and inheritance mode, an automated score was calculated to assess if this variant is too frequent to cause the disease. Based on the score and internal cut-off values, a variant classified as likely benign is not then subjected to further curation. The score for this variant resulted in a classification of likely benign for this disease.

NM_001114753.3(ENG):c.*133C>T

Gene: ENG (endoglin; minus strand). Cytogenetic location: 9q34.11.
Variant type: single nucleotide variant.
Coding change: c.*133C>T on transcript NM_001114753.3 (MANE Select); 133 bases downstream of the stop codon, C replaced by T.
Molecular consequence: 3 prime UTR variant.
Genome position (GRCh38, 1-based): chr9:127,815,549, G>A on the plus strand (C>T on the coding strand, the complement: ENG is on the minus strand). VCF-style: chr9-127815549-G-A. GRCh37 (hg19) VCF-style: chr9-130577828-G-A.
Other names: c.*368C>T (NM_000118.4); c.*133C>T (NM_001278138.2).
Identifiers: ClinVar variation 365083 (VCV000365083.7), dbSNP rs539680928, ClinGen allele CA10632643.